The following is an entry in ClinVar:

NM_001848.3(COL6A1):c.1776+182_1776+183insA

Gene: COL6A1 (collagen type VI alpha 1 chain; plus strand). Cytogenetic location: 21q22.3.
Variant type: Insertion.
Coding change: c.1776+182_1776+183insA on transcript NM_001848.3 (MANE Select); bases 182 to 183 of the intron after coding-DNA position 1776, A inserted.
Molecular consequence: intron variant.
Genome position: GRCh38 VCF-style: chr21-45999874-G-GA. GRCh37 (hg19) VCF-style: chr21-47419788-G-GA.
Identifiers: ClinVar variation 679183 (VCV000679183.1), dbSNP rs796136319, ClinGen allele CA321973698.

ClinVar aggregate classification (germline): Benign (1 of 4 stars; one submission).

Allele frequency attached by ClinVar (database versions not stated): gnomAD 0.26238.

Submission:

GeneDx
Classification: Benign. Last evaluated: 2018-06-18. Review status: criteria provided, single submitter. Criteria: GeneDx Variant Classification (06012015). Collection method: clinical testing. Allele origin: germline. Affected: yes.
Comment: This variant is considered likely benign or benign based on one or more of the following criteria: it is a conservative change, it occurs at a poorly conserved position in the protein, it is predicted to be benign by multiple in silico algorithms, and/or has population frequency not consistent with disease.